The following is an entry in ClinVar:

ClinVar aggregate classification (germline): Uncertain significance (1 of 4 stars; one submission).

Conditions:
Hypertrophic cardiomyopathy 14. Identifiers: MedGen C2750467, MONDO:0013197, OMIM 613251.

Allele frequency attached by ClinVar (database versions not stated): gnomAD exomes below 0.00001.
gnomAD v4.1: 7 of 1,614,182 alleles (0.00043%); highest among the groups gnomAD compares: African/African-American, 0.0013%; no homozygotes.

Submission:

Labcorp Genetics (formerly Invitae), Labcorp
Classification: Uncertain significance for Hypertrophic cardiomyopathy 14. Last evaluated: 2022-07-19. Review status: criteria provided, single submitter. Criteria: Invitae Variant Classification Sherloc (09022015). Collection method: clinical testing. Allele origin: germline.
Comment: In summary, the available evidence is currently insufficient to determine the role of this variant in disease. Therefore, it has been classified as a Variant of Uncertain Significance. Algorithms developed to predict the effect of missense changes on protein structure and function (SIFT, PolyPhen-2, Align-GVGD) all suggest that this variant is likely to be tolerated. ClinVar contains an entry for this variant (Variation ID: 1419498). This variant has not been reported in the literature in individuals affected with MYH6-related conditions. This variant is not present in population databases (gnomAD no frequency). This sequence change replaces serine, which is neutral and polar, with leucine, which is neutral and non-polar, at codon 1741 of the MYH6 protein (p.Ser1741Leu).

NM_002471.4(MYH6):c.5222C>T (p.Ser1741Leu)

Gene: MYH6 (myosin heavy chain 6; minus strand). Cytogenetic location: 14q11.2.
Variant type: single nucleotide variant.
Coding change: c.5222C>T on transcript NM_002471.4 (MANE Select); coding-DNA position 5222, C replaced by T.
Protein change: p.Ser1741Leu; replaces serine 1741 with leucine.
Molecular consequence: missense variant.
Genome position (GRCh38, 1-based): chr14:23,384,983, G>A on the plus strand (C>T on the coding strand, the complement: MYH6 is on the minus strand). VCF-style: chr14-23384983-G-A. GRCh37 (hg19) VCF-style: chr14-23854192-G-A.
Other names: short protein forms S1741L.
Identifiers: ClinVar variation 1419498 (VCV001419498.8), dbSNP rs1437586718, ClinGen allele CA16622150.